The following is an entry in ClinVar:

NM_005609.4(PYGM):c.148C>T (p.Arg50Ter)

Gene: PYGM (glycogen phosphorylase, muscle associated; minus strand). Cytogenetic location: 11q13.1.
Variant type: single nucleotide variant.
Coding change: c.148C>T on transcript NM_005609.4 (MANE Select); coding-DNA position 148, C replaced by T.
Protein change: p.Arg50Ter; replaces arginine 50 with a stop codon.
Molecular consequence: nonsense.
Genome position (GRCh38, 1-based): chr11:64,759,751, G>A on the plus strand (C>T on the coding strand, the complement: PYGM is on the minus strand). VCF-style: chr11-64759751-G-A. GRCh37 (hg19) VCF-style: chr11-64527223-G-A.
Other names: Arg49*; MA R49x; R49X; c.148C>T, p.Arg50Ter (NM_001164716.1); short protein forms R50*.
Identifiers: ClinVar variation 2298 (VCV000002298.113), dbSNP rs116987552, ClinGen allele CA222884.

ClinVar aggregate classification (germline): Pathogenic/Likely pathogenic. Review status: criteria provided, multiple submitters, no conflicts (2 of 4 stars). 45 submissions from 43 submitters: Pathogenic (34); Likely pathogenic (1). 10 of the submissions do not count toward it. Last evaluated 2026-08-01.

Conditions:
Hereditary skeletal muscle disorder. Identifiers: MedGen CN324038, MONDO:0700223.
PYGM-related disorder. Also called: PYGM-related condition.
Skeletal muscle channelopathy.
Inborn genetic diseases. Identifiers: MedGen C0950123, MeSH D030342.
Glycogen storage disease. Also called: Disorder of glycogen metabolism; glycogen storage disorder. Identifiers: Orphanet 79201, MedGen C0017919, MONDO:0002412.
Glycogen storage disease, type V (GSD5). Also called: MCARDLE DISEASE; MUSCLE GLYCOGEN PHOSPHORYLASE DEFICIENCY; MYOPHOSPHORYLASE DEFICIENCY; McArdle type glycogen storage disease; PYGM DEFICIENCY. Identifiers: Orphanet 368, MedGen C0017924, MONDO:0009293, OMIM 232600.
Tip-toe gait. Also called: Toe walking. Identifiers: MedGen C0427144, HP:0030051.
Retinal disorder. Also called: Retinopathies; Retinal Diseases; Retinal disorders; Retinopathy. Identifiers: MedGen C0035309, MONDO:0005283, HP:0000488.

Allele frequency attached by ClinVar (database versions not stated): TOPMed 0.00189; gnomAD exomes 0.00145 and 0.00298; ExAC 0.00137; 1000 Genomes Project 0.00100; 1000 Genomes Project 30x 0.00109; gnomAD 0.00178 and 0.00181.
gnomAD v4.1: 4,580 of 1,614,240 alleles (0.28%); highest among the groups gnomAD compares: Non-Finnish European, 0.36%; 12 homozygotes.

Submissions 1 to 11 of 45:

CeGaT Center for Human Genetics Tuebingen
Classification: Pathogenic. Last evaluated: 2026-08-01. Review status: criteria provided, single submitter. Criteria: CeGaT Center For Human Genetics Tuebingen Variant Classification Criteria Version 2. Collection method: clinical testing. Allele origin: germline. Affected: yes. Observed: 12 variant alleles.
Comment: PYGM: PM3:Very Strong, PVS1, PM2:Supporting

PreventionGenetics, part of Exact Sciences
Classification: Pathogenic for PYGM-related condition. Last evaluated: 2026-03-15. Review status: criteria provided, single submitter. Criteria: ACMG Guidelines, 2015. Collection method: clinical testing. Allele origin: germline.
Comment: The PYGM c.148C>T variant is predicted to result in premature protein termination (p.Arg50*). This variant, alternatively referred to as R49X in the literature, has been reported in the homozygous or compound heterozygous state in individuals with autosomal recessive glycogen storage disease type V (GSD V, also called McArdle Disease) and has been noted to segregate with the disorder in these families (Tsujino et al. 1993. PubMed ID: 8316268; Aquaron et al. 2007. PubMed ID: 17324573; Gurgel-Giannetti et al. 2013. PubMed ID: 23653251). This variant is reported in 0.25% of alleles in individuals of European (non-Finnish) descent in gnomAD. This variant is consistently classified as pathogenic in ClinVar (ClinVar ID: 2298). Nonsense variants in PYGM are expected to be pathogenic. This variant is interpreted as pathogenic.

Genetics Laboratory, Great Ormond Street Hospital NHS Foundation Trust, North Thames Genomic Laboratory Hub
Classification: Pathogenic for Glycogen storage disease. Last evaluated: 2026-02-22. Review status: criteria provided, single submitter. Criteria: ACGS Best Practice Guidelines for Variant Classification in Rare Disease 2024 v1.2. Collection method: clinical testing. Allele origin: germline. Affected: yes.
Comment: PS4_moderate, PVS1_very-strong

Genetics Laboratory, Great Ormond Street Hospital NHS Foundation Trust, North Thames Genomic Laboratory Hub
Classification: Pathogenic for Skeletal muscle channelopathy. Last evaluated: 2026-02-22. Review status: criteria provided, single submitter. Criteria: ACGS Best Practice Guidelines for Variant Classification in Rare Disease 2024 v1.2. Collection method: clinical testing. Allele origin: germline. Affected: yes.
Comment: the same text as in the submission from Genetics Laboratory, Great Ormond Street Hospital NHS Foundation Trust, North Thames Genomic Laboratory Hub above.

Genetics Laboratory, Great Ormond Street Hospital NHS Foundation Trust, North Thames Genomic Laboratory Hub
Classification: Pathogenic for Retinal disorders. Last evaluated: 2026-02-22. Review status: criteria provided, single submitter. Criteria: ACGS Best Practice Guidelines for Variant Classification in Rare Disease 2024 v1.2. Collection method: clinical testing. Allele origin: germline. Affected: yes.
Comment: the same text as in the submission from Genetics Laboratory, Great Ormond Street Hospital NHS Foundation Trust, North Thames Genomic Laboratory Hub above.

Labcorp Genetics (formerly Invitae), Labcorp
Classification: Pathogenic for Glycogen storage disease, type V. Last evaluated: 2026-02-01. Review status: criteria provided, single submitter. Criteria: Invitae Variant Classification Sherloc (09022015). Collection method: clinical testing. Allele origin: germline.
Comment: This sequence change creates a premature translational stop signal (p.Arg50*) in the PYGM gene. It is expected to result in an absent or disrupted protein product. Loss-of-function variants in PYGM are known to be pathogenic (PMID: 8316268, 16786513). This variant is present in population databases (rs116987552, gnomAD 0.3%), and has an allele count higher than expected for a pathogenic variant. This premature translational stop signal has been observed in individual(s) with McArdle disease (PMID: 8316268, 16786513, 21802952, 22250184, 23653251). ClinVar contains an entry for this variant (Variation ID: 2298). Algorithms developed to predict the effect of variants on gene product structure and function are not available or were not evaluated for this variant. Experimental studies have shown that this premature translational stop signal affects PYGM function (PMID: 22730558). For these reasons, this variant has been classified as Pathogenic.

3billion
Classification: Pathogenic for Glycogen storage disease, type V. Last evaluated: 2026-01-23. Review status: criteria provided, single submitter. Criteria: ACMG Guidelines, 2015. Collection method: clinical testing. Allele origin: germline. Affected: yes.
Comment: The variant is observed at an extremely low frequency in the gnomAD v4.1.0 dataset (total allele frequency: 0.284%). Predicted Consequence/Location: Stop-gained (nonsense): predicted to result in a loss or disruption of normal protein function through nonsense-mediated decay (NMD) or protein truncation. Multiple pathogenic variants are reported downstream of the variant. The variant has been reported at least twice as pathogenic with clinical assertions and evidence for the classification (ClinVar ID: VCV000002298 /PMID: 8316268). Therefore, this variant is classified as Pathogenic according to the recommendation of ACMG/AMP guideline.

Variantyx, Inc.
Classification: Pathogenic for Glycogen storage disease, type V. Last evaluated: 2025-12-17. Review status: criteria provided, single submitter. Criteria: Variantyx Assertion Criteria 2022. Collection method: clinical testing. Allele origin: germline. Inheritance: Autosomal recessive inheritance.
Comment: This is a nonsense variant in the PYGM gene (OMIM: 608455). Pathogenic variants in this gene have been associated with autosomal recessive McArdle disease. This variant introduces a premature termination codon in exon 1 out of 20 and is expected to result in loss of function, which is a known disease mechanism for PYGM in this disorder (PVS1). It has been reported in the homozygous or compound heterozygous state in many unrelated affected individuals (PMID: 10918252, 23653251) (PM3_Very_Strong) and has a 0.3631% maximum allele frequency in non-founder control populations. Based on the current evidence, this variant is classified as pathogenic for autosomal recessive McArdle disease.

Natera, Inc.
Classification: Pathogenic for Glycogen storage disease V. Last evaluated: 2025-12-01. Review status: criteria provided, single submitter. Criteria: Natera Variant Classification Schema (03/2026). Collection method: clinical testing. Allele origin: germline.
Comment: The c.148C>T variant in PYGM is a nonsense variant predicted to introduce a stop codon at amino acid 50. This variant is expected to result in nonsense mediated decay, truncation, or a dysfunctional protein product. This variant is rare in the general population with a frequency below the threshold expected for the associated phenotype(s). This variant has been observed in one or more individuals affected with the associated recessive disease, as either homozygous or compound heterozygous with a second variant (PMID: 15979037). Additionally, this variant has been observed to segregate in affected family members (PMID: 15979037). Given the available evidence, this variant is classified as Pathogenic.

Revvity Omics, Revvity
Classification: Pathogenic for Glycogen storage disease, type V. Last evaluated: 2025-06-08. Review status: criteria provided, single submitter. Criteria: ACMG Guidelines, 2015. Collection method: clinical testing. Allele origin: germline.

Ambry Genetics
Classification: Pathogenic for Inborn genetic diseases. Last evaluated: 2025-03-26. Review status: criteria provided, single submitter. Criteria: Ambry Variant Classification Scheme 2023. Collection method: clinical testing. Allele origin: germline.
Comment: The c.148C>T (p.R50*) alteration, located in exon 1 of the PYGM gene, consists of a C to T substitution at nucleotide position 148. This changes the amino acid from an arginine (R) to a stop codon at amino acid position 50. This alteration is expected to result in loss of function by premature protein truncation or nonsense-mediated mRNA decay. Based on data from gnomAD, the T allele has an overall frequency of 0.15% (424/282854) total alleles studied. The highest observed frequency was 0.252% (325/129154) of European (non-Finnish) alleles. This variant has been identified in the homozygous state and/or in conjunction with other PYGM variants in individuals with features consistent with McArdle disease (Tsujino, 1993; Gurgel-Giannetti, 2013; Santalla, 2017; Ambry internal data). A knock-in mouse model homozygous for the p.R50* alteration was generated which has the same muscle phenotype as McArdle patients, including undetectable myophosphorylase protein and activity in skeletal muscle, massive muscle glycogen accumulation, hyperCKaemia and very poor exercise performance (Nogales-Gadea, 2012). Based on the available evidence, this alteration is classified as pathogenic.